The following is an entry in ClinVar:

NM_007294.4(BRCA1):c.4874A>T (p.Tyr1625Phe)

Gene: BRCA1 (BRCA1 DNA repair associated; minus strand). Cytogenetic location: 17q21.31.
Variant type: single nucleotide variant.
Coding change: c.4874A>T on transcript NM_007294.4 (MANE Select); coding-DNA position 4874, A replaced by T.
Protein change: p.Tyr1625Phe; replaces tyrosine 1625 with phenylalanine.
Molecular consequence: missense variant. On other transcripts: non-coding transcript variant (1).
Genome position (GRCh38, 1-based): chr17:43,071,040, T>A on the plus strand (A>T on the coding strand, the complement: BRCA1 is on the minus strand). VCF-style: chr17-43071040-T-A. GRCh37 (hg19) VCF-style: chr17-41223057-T-A.
Other names: c.4538A>T, p.Tyr1513Phe (NM_001407954.1, NM_001407955.1, NM_001407950.1 and 3 more transcripts); c.4535A>T, p.Tyr1512Phe (NM_001407956.1, NM_001407957.1, NM_001407958.1); c.3986A>T, p.Tyr1329Phe (NM_001407966.1); c.3983A>T, p.Tyr1328Phe (NM_001407967.1); c.2270A>T, p.Tyr757Phe (NM_001407968.1); c.2267A>T, p.Tyr756Phe (NM_001407969.1); c.1631A>T, p.Tyr544Phe (NM_001407970.1, NM_001407971.1); c.1628A>T, p.Tyr543Phe (NM_001407972.1); and 70 more; short protein forms Y1578F, Y1625F, Y1646F, Y521F, Y1329F, Y1471F, Y1496F, Y1512F.
Identifiers: ClinVar variation 1063194 (VCV001063194.10), dbSNP rs730881494, ClinGen allele CA10591779.

ClinVar aggregate classification (germline): Uncertain significance (1 of 4 stars; one submission).

Conditions:
Hereditary breast ovarian cancer syndrome. Also called: Hereditary breast and ovarian cancer syndrome (HBOC); Breast and ovarian cancer; Hereditary breast and/or ovarian cancer syndrome; BRCA1- and BRCA2-Associated Hereditary Breast and Ovarian Cancer; Hereditary breast and ovarian cancer syndrome; Hereditary breast and ovarian cancer. Identifiers: Orphanet 145, MedGen C0677776, MeSH D061325, MONDO:0003582. Disease mechanism: loss of function.

Submission:

Labcorp Genetics (formerly Invitae), Labcorp
Classification: Uncertain significance for Hereditary breast ovarian cancer syndrome. Last evaluated: 2024-03-06. Review status: criteria provided, single submitter. Criteria: Invitae Variant Classification Sherloc (09022015). Collection method: clinical testing. Allele origin: germline.
Comment: This sequence change replaces tyrosine, which is neutral and polar, with phenylalanine, which is neutral and non-polar, at codon 1625 of the BRCA1 protein (p.Tyr1625Phe). This variant is not present in population databases (gnomAD no frequency). This variant has not been reported in the literature in individuals affected with BRCA1-related conditions. ClinVar contains an entry for this variant (Variation ID: 1063194). Advanced modeling of protein sequence and biophysical properties (such as structural, functional, and spatial information, amino acid conservation, physicochemical variation, residue mobility, and thermodynamic stability) performed at Invitae indicates that this missense variant is not expected to disrupt BRCA1 protein function with a negative predictive value of 95%. In summary, the available evidence is currently insufficient to determine the role of this variant in disease. Therefore, it has been classified as a Variant of Uncertain Significance.